The following is an entry in ClinVar:

ClinVar aggregate classification (germline): Pathogenic (1 of 4 stars; one submission).

Conditions:
Multiple congenital exostosis (EXT). Also called: Multiple exostoses; Hereditary multiple osteochondromas; Hereditary multiple exostoses; Hereditary multiple exostosis; Multiple osteochondromas; MULTIPLE CARTILAGINOUS EXOSTOSES. Identifiers: Orphanet 321, MedGen C0015306, MONDO:0005508, HP:0002762.

Submission:

Labcorp Genetics (formerly Invitae), Labcorp
Classification: Pathogenic for Multiple congenital exostosis. Last evaluated: 2022-04-07. Review status: criteria provided, single submitter. Criteria: Invitae Variant Classification Sherloc (09022015). Collection method: clinical testing. Allele origin: germline.
Comment: This sequence change creates a premature translational stop signal (p.Asp615Glufs*39) in the EXT1 gene. It is expected to result in an absent or disrupted protein product. Loss-of-function variants in EXT1 are known to be pathogenic (PMID: 10679937, 11391482, 19810120). This variant is not present in population databases (gnomAD no frequency). This variant has not been reported in the literature in individuals affected with EXT1-related conditions. For these reasons, this variant has been classified as Pathogenic.

Literature cited by the submitters: PubMed 10679937; PubMed 11391482; PubMed 19810120.

NM_000127.3(EXT1):c.1844dup (p.Asp615fs)

Gene: EXT1 (exostosin glycosyltransferase 1; minus strand). Cytogenetic location: 8q24.11.
Variant type: Duplication.
Coding change: c.1844dup on transcript NM_000127.3 (MANE Select); coding-DNA position 1844, one base duplicated (A; older notation c.1844dupA).
Protein change: p.Asp615fs; shifts the reading frame from aspartic acid 615.
Molecular consequence: frameshift variant.
Genome position (GRCh38, 1-based): chr8:117,807,256, T duplicated on the plus strand (A on the coding strand, the reverse complement: EXT1 is on the minus strand). VCF-style (leftmost placement, unchanged base first): chr8-117807255-G-GT. GRCh37 (hg19) VCF-style: chr8-118819494-G-GT.
Other names: short protein forms D615fs.
Identifiers: ClinVar variation 2122640 (VCV002122640.4), dbSNP rs2488089155, ClinGen allele CA2580078545.